The following is an entry in ClinVar:

ClinVar aggregate classification (germline): Uncertain significance. Review status: criteria provided, multiple submitters, no conflicts (2 of 4 stars). 2 submissions from 2 submitters: Uncertain significance (2). Last evaluated 2025-08-08.

Conditions:
Cardiovascular phenotype. Identifiers: MedGen CN230736.
Familial hypercholesterolemia. Also called: Familial hypercholesterolaemia. Identifiers: MedGen C0020445, MONDO:0005439.

Allele frequency attached by ClinVar (database versions not stated): ExAC below 0.00001; gnomAD 0.00001; gnomAD exomes 0.00001; TOPMed 0.00001.
gnomAD v4.1: 16 of 1,566,230 alleles (0.001%); highest among the groups gnomAD compares: African/African-American, 0.0013%; no homozygotes.

Submissions (2):

Ambry Genetics
Classification: Uncertain significance for Cardiovascular phenotype. Last evaluated: 2025-08-08. Review status: criteria provided, single submitter. Criteria: Ambry Variant Classification Scheme 2023. Collection method: clinical testing. Allele origin: germline.

Color Diagnostics, LLC DBA Color Health
Classification: Uncertain significance for Familial hypercholesterolemia. Last evaluated: 2023-12-05. Review status: criteria provided, single submitter. Criteria: ACMG Guidelines, 2015. Collection method: clinical testing. Allele origin: germline.
Comment: Variant of Uncertain Significance due to insufficient evidence: This missense variant is located in the CM1 domain of the PCSK9 protein. Computational prediction tools and conservation analyses suggest that this variant may not impact the protein function. Computational splicing tools suggest that this variant may not impact RNA splicing. To our knowledge, functional assays have not been performed for this variant nor has this variant been reported in individuals affected with familial hypercholesterolemia in the literature. This variant is rare in the general population and has been identified in 0/277264 chromosomes by the Genome Aggregation Database (gnomAD). Available evidence is insufficient to determine the pathogenicity of this variant conclusively.

NM_174936.4(PCSK9):c.1529G>A (p.Arg510Gln)

Gene: PCSK9 (proprotein convertase subtilisin/kexin type 9; plus strand). Cytogenetic location: 1p32.3.
Variant type: single nucleotide variant.
Coding change: c.1529G>A on transcript NM_174936.4 (MANE Select); coding-DNA position 1529, G replaced by A.
Protein change: p.Arg510Gln; replaces arginine 510 with glutamine.
Molecular consequence: missense variant.
Genome position (GRCh38, 1-based): chr1:55,059,511, G>A. VCF-style: chr1-55059511-G-A. GRCh37 (hg19) VCF-style: chr1-55525184-G-A.
Other names: c.1652G>A, p.Arg551Gln (NM_001407240.1); c.1571G>A, p.Arg524Gln (NM_001407241.1); c.1532G>A, p.Arg511Gln (NM_001407242.1); c.1472G>A, p.Arg491Gln (NM_001407243.1); c.1355G>A, p.Arg452Gln (NM_001407244.1); c.1337G>A, p.Arg446Gln (NM_001407245.1); c.1154G>A, p.Arg385Gln (NM_001407246.1); short protein forms R510Q, R385Q, R446Q, R452Q, R524Q, R511Q, R491Q, R551Q.
Identifiers: ClinVar variation 926220 (VCV000926220.9), dbSNP rs757804293, ClinGen allele CA037911.
Genomic context (GRCh38, chr1:55,059,511, plus strand): 5'-TAAAGCAGATTCCCATTTCCGTCTTTGACTCTAAGGCCCAAGGGGGCAAGCTGGTCTGCC[G>A]GGCCCACAACGCTTTTGGGGGTGAGGGTGTCTACGCCATTGCCAGGTGCTGCCTGCTACC-3'
Protein context (NP_777596.2, residues 500-520): MEAQGGKLVC[Arg510Gln]AHNAFGGEGV